The following is an entry in ClinVar:

ClinVar aggregate classification (germline): Uncertain significance. Review status: criteria provided, multiple submitters, no conflicts (2 of 4 stars). 2 submissions from 2 submitters: Uncertain significance (2). Last evaluated 2023-03-26.

Conditions:
Perlman syndrome (PRLMNS). Identifiers: Orphanet 2849, MedGen C0796113, MONDO:0009965, OMIM 267000.

Allele frequency attached by ClinVar (database versions not stated): ExAC 0.00001; gnomAD 0.00001; gnomAD exomes 0.00002.
gnomAD v4.1: 10 of 1,614,206 alleles (0.00062%); highest among the groups gnomAD compares: East Asian, 0.022%; no homozygotes.

Submissions (2):

Labcorp Genetics (formerly Invitae), Labcorp
Classification: Uncertain significance for Perlman syndrome. Last evaluated: 2023-03-26. Review status: criteria provided, single submitter. Criteria: Invitae Variant Classification Sherloc (09022015). Collection method: clinical testing. Allele origin: germline.
Comment: This variant has not been reported in the literature in individuals affected with DIS3L2-related conditions. This sequence change replaces serine, which is neutral and polar, with proline, which is neutral and non-polar, at codon 348 of the DIS3L2 protein (p.Ser348Pro). This variant is present in population databases (rs763397645, gnomAD 0.02%). ClinVar contains an entry for this variant (Variation ID: 849573). Advanced modeling of protein sequence and biophysical properties (such as structural, functional, and spatial information, amino acid conservation, physicochemical variation, residue mobility, and thermodynamic stability) performed at Invitae indicates that this missense variant is not expected to disrupt DIS3L2 protein function. In summary, the available evidence is currently insufficient to determine the role of this variant in disease. Therefore, it has been classified as a Variant of Uncertain Significance.

Department of Pathology and Laboratory Medicine, Sinai Health System
Classification: Uncertain significance for Perlman syndrome. Last evaluated: 2022-05-16. Review status: criteria provided, single submitter. Criteria: ACMG Guidelines, 2015. Collection method: research. Allele origin: germline.

NM_152383.5(DIS3L2):c.1042T>C (p.Ser348Pro)

Gene: DIS3L2 (DIS3 like 3'-5' exoribonuclease 2; plus strand). Cytogenetic location: 2q37.1.
Variant type: single nucleotide variant.
Coding change: c.1042T>C on transcript NM_152383.5 (MANE Select); coding-DNA position 1042, T replaced by C.
Protein change: p.Ser348Pro; replaces serine 348 with proline.
Molecular consequence: missense variant. On other transcripts: non-coding transcript variant (2).
Genome position (GRCh38, 1-based): chr2:232,163,550, T>C. VCF-style: chr2-232163550-T-C. GRCh37 (hg19) VCF-style: chr2-233028260-T-C.
Other names: c.1042T>C, p.Ser348Pro (NM_001257281.2); short protein forms S348P.
Identifiers: ClinVar variation 849573 (VCV000849573.10), dbSNP rs763397645, ClinGen allele CA2163997.